The following is an entry in ClinVar:

ClinVar aggregate classification (germline): Pathogenic. Review status: criteria provided, multiple submitters, no conflicts (2 of 4 stars). 8 submissions from 8 submitters: Pathogenic (7). 1 of the submissions does not count toward it. Last evaluated 2026-09-08.

Conditions:
GLA-related disorder. Also called: GLA-related condition.
Fabry disease. Also called: ALPHA-GALACTOSIDASE A DEFICIENCY; ANDERSON-FABRY DISEASE; CERAMIDE TRIHEXOSIDASE DEFICIENCY; Ceramide trihexosidosis; Angiokeratoma corporis diffusum; Fabry's disease. Identifiers: Orphanet 324, MedGen C0002986, MONDO:0010526, OMIM 301500, HP:0001071. Disease mechanism: Fabry disease is due to inactivating mutations in the X-linked GLA gene resulting in deficiency of the enzyme Alpha Galactosidase-A., loss of function.

gnomAD v4.1: 2 of 1,210,824 alleles (0.00017%); highest among the groups gnomAD compares: Non-Finnish European, 0.00022%; no homozygotes.

Submissions (8):

Genomenon, Inc
Classification: Pathogenic for Fabry disease. Last evaluated: 2026-09-08. Review status: criteria provided, single submitter. Criteria: Genomenon Sequence Variant Interpretation Standards - Updated. Collection method: curation. Allele origin: germline. Affected: yes.
Comment: GLA p.Arg356Trp (c.1066C>T) is a missense variant that changes the amino acid at codon 356 from Arginine to Tryptophan. This variant has been observed in at least one proband with clinical features consistent with Fabry disease (PMID:31996269;39343861;31292888;39766319;27825144;39031114;22551898;2539398;38002959;25143556). The variant was found to segregate with disease in at least one affected family (PMID:2539398;11889412;25143556;38002959). At least one functional study has demonstrated a substantial alteration in protein function relative to the wild-type (PMID:22773828). It is absent or not present at a significant frequency in gnomAD. In silico models predict that this variant is possibly or probably damaging. In conclusion, we classify GLA p.Arg356Trp (c.1066C>T) as a pathogenic variant.

PreventionGenetics, part of Exact Sciences
Classification: Pathogenic for GLA-related condition. Last evaluated: 2026-05-25. Review status: criteria provided, single submitter. Criteria: ACMG Guidelines, 2015. Collection method: clinical testing. Allele origin: germline.
Comment: The GLA c.1066C>T variant is predicted to result in the amino acid substitution p.Arg356Trp. This variant has been reported in individuals with Fabry disease (Bernstein et al. 1989. PubMed ID: 2539398; Romão et al. 2013. PubMed ID: 23537685). Functional studies indicate this variant impacts protein solubility, aggregation, and activity (Siekierska et al. 2012. PubMed ID: 22773828; Table S1, Lukas. 2013. PubMed ID: 23935525; Wu et al. 2011. PubMed ID: 21598360). Different missense variants impacting the same amino acid residue (p.Arg356Gln, p.Arg356Gly, p.Arg356Pro) have also been reported in individuals with Fabry disease phenotypes or have been shown to impact GLA activity (Hwu et al. 2009. PubMed ID: 19621417; Pan et al. 2016. PubMed ID: 27560961; Lukas et al. 2016. PubMed ID: 26415523). This variant has not been reported in a large population database (gnomAD), indicating this variant is rare. This variant is interpreted as pathogenic.

Labcorp Genetics (formerly Invitae), Labcorp
Classification: Pathogenic for Fabry disease. Last evaluated: 2026-02-03. Review status: criteria provided, single submitter. Criteria: Invitae Variant Classification Sherloc (09022015). Collection method: clinical testing. Allele origin: germline.
Comment: This sequence change replaces arginine, which is basic and polar, with tryptophan, which is neutral and slightly polar, at codon 356 of the GLA protein (p.Arg356Trp). This variant is not present in population databases (gnomAD no frequency). This missense change has been observed in individuals with Fabry disease (PMID: 2539398, 23537685). It has also been observed to segregate with disease in related individuals. ClinVar contains an entry for this variant (Variation ID: 10713). Invitae Evidence Modeling of protein sequence and biophysical properties (such as structural, functional, and spatial information, amino acid conservation, physicochemical variation, residue mobility, and thermodynamic stability) indicates that this missense variant is not expected to disrupt GLA protein function with a negative predictive value of 80%. Experimental studies have shown that this missense change affects GLA function (PMID: 17555407, 23935525). Algorithms developed to predict the effect of sequence changes on RNA splicing suggest that this variant may disrupt the consensus splice site. This variant disrupts the p.Arg356 amino acid residue in GLA. Other variant(s) that disrupt this residue have been determined to be pathogenic (PMID: 19621417, 27238910, 28615118). This suggests that this residue is clinically significant, and that variants that disrupt this residue are likely to be disease-causing. For these reasons, this variant has been classified as Pathogenic.

Revvity Omics, Revvity
Classification: Pathogenic. Last evaluated: 2024-04-15. Review status: criteria provided, single submitter. Criteria: ACMG Guidelines, 2015. Collection method: clinical testing. Allele origin: germline.

GeneDx
Classification: Pathogenic. Last evaluated: 2023-04-03. Review status: criteria provided, single submitter. Criteria: GeneDx Variant Classification Process June 2021. Collection method: clinical testing. Allele origin: germline. Affected: yes.
Comment: Published functional studies demonstrate a severe reduction in enzyme activity (Ishii et al., 2007; Wu et al., 2011; Siekierska et al. 2012; Lukas et al., 2013; Germain et al., 2019); Not observed at significant frequency in large population cohorts (gnomAD); In silico analysis supports that this missense variant has a deleterious effect on protein structure/function; This variant is associated with the following publications: (PMID: 23537685, 25382311, 27532257, 30477121, 17555407, 17532296, 23935525, 24582695, 25611685, 24334114, 32843101, 30879055, 22551898, 21598360, 22773828, 31996269, Neves2020[Article], 19521690, 18633574, 32023956, 24613481, 27916943, 29305833, 33163363, 19156839, 29935990, 20031620, 28615118, 17894781, 32647377, 27825144, 22063097, 18698230, 19387866, Rubino2022[CaseReport], 2539398, 30723321)

Genome-Nilou Lab
Classification: Pathogenic for Fabry disease. Last evaluated: 2021-07-15. Review status: criteria provided, single submitter. Criteria: ACMG Guidelines, 2015. Collection method: clinical testing. Allele origin: germline. Affected: no.

Laboratory for Molecular Medicine, Mass General Brigham Personalized Medicine
Classification: Pathogenic for Fabry disease. Last evaluated: 2018-09-26. Review status: criteria provided, single submitter. Criteria: LMM Criteria. Collection method: clinical testing. Allele origin: germline. Inheritance: X-linked inheritance. Observed: 12 variant alleles.
Comment: The Arg356Trp variant in GLA has been reported in at least 10 individuals with F abry disease or hypertrophic cardiomyopathy, including at least 2 females, and s egregated with disease in 4 clinically or biochemically affected family members across 3 families most of whom had a "mild classic" Fabry disease phenotype (Ber nstein 1989, Lin 2009, Turaca 2012, Romao 2013, Pasqualim 2014, LMM data). This variant was absent from large population studies. Several in vitro functional st udies have shown that this variant is associated with significantly reduced alph a-galactosidase A activity (Wu 2011, Siekierska 2012, Lukas 2013). In summary, t his variant meets criteria to be classified as pathogenic for X-linked Fabry dis ease based on case observations, segregation studies, absence from controls, and functional evidence. ACMG/AMP criteria applied: PS4, PM2, PS3_Moderate, PP1, PP 4.

OMIM
Classification: Pathogenic for FABRY DISEASE. Last evaluated: 1989-04-01. Review status: no assertion criteria provided. Collection method: literature only. Allele origin: germline. Not counted in ClinVar's aggregate classification.

Literature cited by the submitters: PubMed 31996269 (cited by Genomenon, Inc); PubMed 39343861 (cited by Genomenon, Inc); PubMed 31292888 (cited by Genomenon, Inc); PubMed 39766319 (cited by Genomenon, Inc); PubMed 27825144 (cited by Genomenon, Inc); PubMed 39031114 (cited by Genomenon, Inc); PubMed 22551898 (cited by Genomenon, Inc and Laboratory for Molecular Medicine, Mass General Brigham Personalized Medicine); PubMed 2539398 (cited by 4 submitters); PubMed 38002959 (cited by Genomenon, Inc); PubMed 25143556 (cited by Genomenon, Inc); PubMed 11889412 (cited by Genomenon, Inc); PubMed 22773828 (cited by Genomenon, Inc and Laboratory for Molecular Medicine, Mass General Brigham Personalized Medicine); PubMed 23537685 (cited by Labcorp Genetics (formerly Invitae), Labcorp and Laboratory for Molecular Medicine, Mass General Brigham Personalized Medicine); PubMed 17555407 (cited by Labcorp Genetics (formerly Invitae), Labcorp and Laboratory for Molecular Medicine, Mass General Brigham Personalized Medicine); PubMed 23935525 (cited by Labcorp Genetics (formerly Invitae), Labcorp and Laboratory for Molecular Medicine, Mass General Brigham Personalized Medicine); PubMed 19621417 (cited by Labcorp Genetics (formerly Invitae), Labcorp); PubMed 27238910 (cited by Labcorp Genetics (formerly Invitae), Labcorp); PubMed 28615118 (cited by Labcorp Genetics (formerly Invitae), Labcorp); PubMed 20031620 (cited by Laboratory for Molecular Medicine, Mass General Brigham Personalized Medicine); PubMed 21598360 (cited by Laboratory for Molecular Medicine, Mass General Brigham Personalized Medicine); PubMed 17532296 (cited by Laboratory for Molecular Medicine, Mass General Brigham Personalized Medicine); PubMed 25611685 (cited by Laboratory for Molecular Medicine, Mass General Brigham Personalized Medicine); PubMed 25382311 (cited by Laboratory for Molecular Medicine, Mass General Brigham Personalized Medicine); PubMed 27532257 (cited by Laboratory for Molecular Medicine, Mass General Brigham Personalized Medicine); PubMed 24582695 (cited by Laboratory for Molecular Medicine, Mass General Brigham Personalized Medicine); PubMed 24334114 (cited by Laboratory for Molecular Medicine, Mass General Brigham Personalized Medicine).

NM_000169.3(GLA):c.1066C>T (p.Arg356Trp)

Genes: GLA (galactosidase alpha; minus strand), RPL36A-HNRNPH2 (RPL36A-HNRNPH2 readthrough; plus strand). Cytogenetic location: Xq22.1.
Variant type: single nucleotide variant.
Coding change: c.1066C>T on transcript NM_000169.3 (MANE Select); coding-DNA position 1066, C replaced by T.
Protein change: p.Arg356Trp; replaces arginine 356 with tryptophan.
Molecular consequence: missense variant. On other transcripts: non-coding transcript variant (3), intron variant (2).
Genome position (GRCh38, 1-based): chrX:101,398,033, G>A on the plus strand (C>T on the coding strand, the complement: GLA is on the minus strand). VCF-style: chrX-101398033-G-A. GRCh37 (hg19) VCF-style: chrX-100653021-G-A.
Other names: c.1189C>T, p.Arg397Trp (NM_001406747.1); c.300+2576G>A (NM_001199973.2); c.177+6211G>A (NM_001199974.2); short protein forms R356W, R397W.
Identifiers: ClinVar variation 10713 (VCV000010713.24), dbSNP rs104894827, ClinGen allele CA021340.